The following is an entry in ClinVar:

ClinVar aggregate classification (germline): Benign. Review status: criteria provided, single submitter (1 of 4 stars). 2 submissions from 2 submitters: Benign (1). 1 of the submissions does not count toward it. Last evaluated 2019-12-31.

Conditions:
PLXNA3-related disorder. Also called: PLXNA3-related condition.

Allele frequency attached by ClinVar (database versions not stated): gnomAD 0.00290 and 0.00274; 1000 Genomes Project 0.00291; TOPMed 0.00326; ESP Exome Variant Server 0.00436; gnomAD exomes 0.00031 and 0.00082; ExAC 0.00118; 1000 Genomes Project 30x 0.00250.
gnomAD v4.1: 654 of 1,202,527 alleles (0.054%); highest among the groups gnomAD compares: African/African-American, 0.97%; 3 homozygotes.

Submissions (2):

Labcorp Genetics (formerly Invitae), Labcorp
Classification: Benign. Last evaluated: 2019-12-31. Review status: criteria provided, single submitter. Criteria: Invitae Variant Classification Sherloc (09022015). Collection method: clinical testing. Allele origin: germline.

PreventionGenetics, part of Exact Sciences
Classification: Benign for PLXNA3-related condition. Last evaluated: 2019-07-12. Review status: no assertion criteria provided. Collection method: clinical testing. Allele origin: germline. Not counted in ClinVar's aggregate classification.
Comment: This variant is classified as benign based on ACMG/AMP sequence variant interpretation guidelines (Richards et al. 2015 PMID: 25741868, with internal and published modifications).

NM_017514.5(PLXNA3):c.266G>A (p.Arg89His)

Gene: PLXNA3 (plexin A3; plus strand). Cytogenetic location: Xq28.
Variant type: single nucleotide variant.
Coding change: c.266G>A on transcript NM_017514.5 (MANE Select); coding-DNA position 266, G replaced by A.
Protein change: p.Arg89His; replaces arginine 89 with histidine.
Molecular consequence: missense variant.
Genome position (GRCh38, 1-based): chrX:154,460,449, G>A. VCF-style: chrX-154460449-G-A. GRCh37 (hg19) VCF-style: chrX-153688789-G-A.
Other names: short protein forms R89H.
Identifiers: ClinVar variation 727527 (VCV000727527.6), dbSNP rs148785068, ClinGen allele CA10563644.